The following is an entry in ClinVar:

NM_001197104.2(KMT2A):c.9682C>T (p.Arg3228Cys)

Gene: KMT2A (lysine methyltransferase 2A; plus strand). Cytogenetic location: 11q23.3.
Variant type: single nucleotide variant.
Coding change: c.9682C>T on transcript NM_001197104.2 (MANE Select); coding-DNA position 9682, C replaced by T.
Protein change: p.Arg3228Cys; replaces arginine 3228 with cysteine.
Molecular consequence: missense variant.
Genome position (GRCh38, 1-based): chr11:118,505,574, C>T. VCF-style: chr11-118505574-C-T. GRCh37 (hg19) VCF-style: chr11-118376289-C-T.
Other names: c.9673C>T, p.Arg3225Cys (NM_005933.4); short protein forms R3225C, R3228C.
Identifiers: ClinVar variation 978870 (VCV000978870.8), dbSNP rs778675942, ClinGen allele CA229529678.

ClinVar aggregate classification (germline): Uncertain significance. Review status: criteria provided, multiple submitters, no conflicts (2 of 4 stars). 2 submissions from 2 submitters: Uncertain significance (2). Last evaluated 2026-02-01.

Conditions:
Intellectual disability. Also called: intellectual disabilities; Intellectual developmental disorder; Intellectual functioning disability. Identifiers: MedGen C3714756, MeSH D008607, MONDO:0001071, HP:0001249.

Allele frequency attached by ClinVar (database versions not stated): gnomAD exomes below 0.00001.
gnomAD v4.1: 7 of 1,614,074 alleles (0.00043%); highest among the groups gnomAD compares: Non-Finnish European, 0.00059%; no homozygotes.

Submissions (2):

Labcorp Genetics (formerly Invitae), Labcorp
Classification: Uncertain significance. Last evaluated: 2026-02-01. Review status: criteria provided, single submitter. Criteria: Invitae Variant Classification Sherloc (09022015). Collection method: clinical testing. Allele origin: germline.
Comment: This sequence change replaces arginine, which is basic and polar, with cysteine, which is neutral and slightly polar, at codon 3228 of the KMT2A protein (p.Arg3228Cys). This variant is not present in population databases (gnomAD no frequency). This variant has not been reported in the literature in individuals affected with KMT2A-related conditions. ClinVar contains an entry for this variant (Variation ID: 978870). Invitae Evidence Modeling of protein sequence and biophysical properties (such as structural, functional, and spatial information, amino acid conservation, physicochemical variation, residue mobility, and thermodynamic stability) has been performed for this missense variant. However, the output from this modeling did not meet the statistical confidence thresholds required to predict the impact of this variant on KMT2A protein function. In summary, the available evidence is currently insufficient to determine the role of this variant in disease. Therefore, it has been classified as a Variant of Uncertain Significance.

Diagnostic Laboratory, Strasbourg University Hospital
Classification: Uncertain significance for Intellectual disability. Last evaluated: 2020-04-20. Review status: criteria provided, single submitter. Criteria: ACMG Guidelines, 2015. Collection method: clinical testing. Allele origin: de novo. Inheritance: Autosomal dominant inheritance. Affected: yes. Observed: 1 heterozygote.